The following is an entry in ClinVar:

NM_201384.3(PLEC):c.9295G>T (p.Glu3099Ter)

Gene: PLEC (plectin; minus strand). Cytogenetic location: 8q24.3.
Variant type: single nucleotide variant.
Coding change: c.9295G>T on transcript NM_201384.3 (MANE Select); coding-DNA position 9295, G replaced by T.
Protein change: p.Glu3099Ter; replaces glutamic acid 3099 with a stop codon.
Molecular consequence: nonsense.
Genome position (GRCh38, 1-based): chr8:143,920,526, C>A on the plus strand (G>T on the coding strand, the complement: PLEC is on the minus strand). VCF-style: chr8-143920526-C-A. GRCh37 (hg19) VCF-style: chr8-144994694-C-A.
Other names: c.9229G>T, p.Glu3077Ter (NM_201379.3); c.9706G>T, p.Glu3236Ter (NM_201380.4); c.9199G>T, p.Glu3067Ter (NM_201381.3); c.9295G>T, p.Glu3099Ter (NM_201382.4); c.9307G>T, p.Glu3103Ter (NM_201383.3); c.9376G>T, p.Glu3126Ter (NM_000445.5); c.5995G>T, p.Glu1999Ter (NM_001410941.1); c.9253G>T, p.Glu3085Ter (NM_201378.4); short protein forms E1999*, E3067*, E3077*, E3085*, E3099*, E3103*, E3126*, E3236*.
Identifiers: ClinVar variation 3754384 (VCV003754384.2).
Genomic context (GRCh38, chr8:143,920,526, plus strand): 5'-CCTGGAACAGGGAGACGCTCTGCCCTGTGTAGGGGTCCCTGTACCCTGTCACAGCCTTCT[C>A]GGCTGATAGCAGCTTCTCATGAAACTCGGGGCCCACCAGGCCAGCACGCACTGCCTCGTC-3'

ClinVar aggregate classification (germline): Pathogenic (1 of 4 stars; one submission).

Conditions:
Epidermolysis bullosa simplex with nail dystrophy (EBS5D). Identifiers: MedGen C4225309, MONDO:0014661, OMIM 616487.
Epidermolysis bullosa simplex, Ogna type (EBS5A). Also called: Pidermolysis bullosa simplex 5A, Ogna type; EPIDERMOLYSIS BULLOSA SIMPLEX 5A, OGNA TYPE. Identifiers: Orphanet 79401, MedGen C0432317, MONDO:0007555, OMIM 131950.
Autosomal recessive limb-girdle muscular dystrophy type 2Q (LGMDR17). Also called: MUSCULAR DYSTROPHY, LIMB-GIRDLE, AUTOSOMAL RECESSIVE 17. Identifiers: Orphanet 254361, MedGen C3150989, MONDO:0013390, OMIM 613723.
Epidermolysis bullosa simplex 5B, with muscular dystrophy (EBS5B). Also called: EPIDERMOLYSIS BULLOSA SIMPLEX AND LIMB-GIRDLE MUSCULAR DYSTROPHY; Epidermolysis bullosa simplex with muscular dystrophy. Identifiers: Orphanet 257, MedGen C2931072, MONDO:0009181, OMIM 226670.
Epidermolysis bullosa simplex 5C, with pyloric atresia (EBS5C). Also called: PLEC-Related Epidermolysis Bullosa with Pyloric Atresia; Epidermolysis bullosa simplex with pyloric atresia; PLEC1-Related Epidermolysis Bullosa with Pyloric Atresia. Identifiers: Orphanet 158684, MedGen C2677349, MONDO:0012807, OMIM 612138.

Submission:

Labcorp Genetics (formerly Invitae), Labcorp
Classification: Pathogenic for Autosomal recessive limb-girdle muscular dystrophy type 2Q; Epidermolysis bullosa simplex, Ogna type; Epidermolysis bullosa simplex with nail dystrophy; Epidermolysis bullosa simplex 5C, with pyloric atresia; Epidermolysis bullosa simplex 5B, with muscular dystrophy. Last evaluated: 2024-02-02. Review status: criteria provided, single submitter. Criteria: Invitae Variant Classification Sherloc (09022015). Collection method: clinical testing. Allele origin: germline.
Comment: This sequence change creates a premature translational stop signal (p.Glu3126*) in the PLEC gene. While this is not anticipated to result in nonsense mediated decay, it is expected to disrupt the last 1449 amino acid(s) of the PLEC protein. The frequency data for this variant in the population databases is considered unreliable, as metrics indicate poor data quality at this position in the gnomAD database. This variant has not been reported in the literature in individuals affected with PLEC-related conditions. This variant disrupts a region of the PLEC protein in which other variant(s) (p.Lys4460*) have been determined to be pathogenic (PMID: 10652002). This suggests that this is a clinically significant region of the protein, and that variants that disrupt it are likely to be disease-causing. For these reasons, this variant has been classified as Pathogenic.

Literature cited by the submitters: PubMed 10652002.